The following is an entry in ClinVar:

NM_000138.5(FBN1):c.2866del (p.Glu956fs)

Gene: FBN1 (fibrillin 1; minus strand). Cytogenetic location: 15q21.1.
Variant type: Deletion.
Coding change: c.2866del on transcript NM_000138.5 (MANE Select); coding-DNA position 2866, one base deleted (G; older notation c.2866delG).
Protein change: p.Glu956fs; shifts the reading frame from glutamic acid 956.
Molecular consequence: frameshift variant.
Genome position (GRCh38, 1-based): chr15:48,490,067, C deleted on the plus strand (G on the coding strand, the reverse complement: FBN1 is on the minus strand); the first of 2 consecutive C bases (chr15:48,490,067-48,490,068); deleting either gives the same sequence. VCF-style (leftmost placement, unchanged base first): chr15-48490066-TC-T. GRCh37 (hg19) VCF-style: chr15-48782263-TC-T.
Other names: c.2866del, p.Glu956fs (NM_001406716.1); c.2866delG (NM_000138.5); short protein forms E956fs.
Identifiers: ClinVar variation 4525729 (VCV004525729.1).

ClinVar aggregate classification (germline): Pathogenic (1 of 4 stars; one submission).

Conditions:
Familial aortopathy. Identifiers: MedGen CN078214.

Submission:

Women's Health and Genetics/Laboratory Corporation of America, LabCorp
Classification: Pathogenic for Familial aortopathy. Last evaluated: 2025-07-21. Review status: criteria provided, single submitter. Criteria: LabCorp Variant Classification Summary - May 2015. Collection method: clinical testing. Allele origin: germline.
Comment: Variant summary: FBN1 c.2866delG (p.Glu956LysfsX5) results in a premature termination codon, predicted to cause a truncation of the encoded protein or absence of the protein due to nonsense mediated decay, which are commonly known mechanisms for disease. The variant was absent in 251154 control chromosomes. To our knowledge, no occurrence of c.2866delG in individuals affected with Aortopathy and no experimental evidence demonstrating its impact on protein function have been reported. No submitters have cited clinical-significance assessments for this variant to ClinVar. Based on the evidence outlined above, the variant was classified as pathogenic.